The following is an entry in ClinVar:

ClinVar aggregate classification (germline): Uncertain significance (1 of 4 stars; one submission).

Conditions:
Familial thoracic aortic aneurysm and aortic dissection (TAAD). Also called: Thoracic aortic aneurysms and dissections. Identifiers: Orphanet 91387, MedGen C4707243, MONDO:0019625.

Submission:

Ambry Genetics
Classification: Uncertain significance for Familial thoracic aortic aneurysm and aortic dissection. Last evaluated: 2025-10-27. Review status: criteria provided, single submitter. Criteria: Ambry Variant Classification Scheme 2023. Collection method: clinical testing. Allele origin: germline.
Comment: The p.R209G variant (also known as c.625C>G), located in coding exon 3 of the TGFB3 gene, results from a C to G substitution at nucleotide position 625. The arginine at codon 209 is replaced by glycine, an amino acid with dissimilar properties. This amino acid position is highly conserved in available vertebrate species. In addition, this alteration is predicted to be deleterious by in silico analysis. Based on the available evidence, the clinical significance of this variant remains unclear.

NM_003239.5(TGFB3):c.625C>G (p.Arg209Gly)

Gene: TGFB3 (transforming growth factor beta 3; minus strand). Cytogenetic location: 14q24.3.
Variant type: single nucleotide variant.
Coding change: c.625C>G on transcript NM_003239.5 (MANE Select); coding-DNA position 625, C replaced by G.
Protein change: p.Arg209Gly; replaces arginine 209 with glycine.
Molecular consequence: missense variant.
Genome position (GRCh38, 1-based): chr14:75,971,147, G>C on the plus strand (C>G on the coding strand, the complement: TGFB3 is on the minus strand). VCF-style: chr14-75971147-G-C. GRCh37 (hg19) VCF-style: chr14-76437490-G-C.
Other names: c.625C>G, p.Arg209Gly (NM_001329938.2, NM_001329939.2); short protein forms R209G.
Identifiers: ClinVar variation 4635576 (VCV004635576.1).